The following is an entry in ClinVar:

NM_005886.3(KATNB1):c.488C>T (p.Ala163Val)

Gene: KATNB1 (katanin regulatory subunit B1; plus strand). Cytogenetic location: 16q21.
Variant type: single nucleotide variant.
Coding change: c.488C>T on transcript NM_005886.3 (MANE Select); coding-DNA position 488, C replaced by T.
Protein change: p.Ala163Val; replaces alanine 163 with valine.
Molecular consequence: missense variant.
Genome position (GRCh38, 1-based): chr16:57,751,696, C>T. VCF-style: chr16-57751696-C-T. GRCh37 (hg19) VCF-style: chr16-57785608-C-T.
Other names: short protein forms A163V.
Identifiers: ClinVar variation 2497847 (VCV002497847.2), dbSNP rs782526194, ClinGen allele CA8080770.

ClinVar aggregate classification (germline): Uncertain significance. Review status: criteria provided, multiple submitters, no conflicts (2 of 4 stars). 2 submissions from 2 submitters: Uncertain significance (2). Last evaluated 2022-10-05.

Conditions:
Intellectual disability. Also called: Intellectual functioning disability; intellectual disabilities; Intellectual developmental disorder. Identifiers: MedGen C3714756, MeSH D008607, MONDO:0001071, HP:0001249.

Allele frequency attached by ClinVar (database versions not stated): TOPMed 0.00002; gnomAD exomes 0.00004; gnomAD 0.00001; ExAC 0.00002.
gnomAD v4.1: 60 of 1,610,698 alleles (0.0037%); highest among the groups gnomAD compares: Non-Finnish European, 0.0048%; no homozygotes.

Submissions (2):

GeneDx
Classification: Uncertain significance. Last evaluated: 2022-10-05. Review status: criteria provided, single submitter. Criteria: GeneDx Variant Classification Process June 2021. Collection method: clinical testing. Allele origin: germline. Affected: yes.
Comment: Not observed at significant frequency in large population cohorts (gnomAD); In silico analysis supports that this missense variant does not alter protein structure/function; Has not been previously published as pathogenic or benign to our knowledge

Cambridge Genomics Laboratory, East Genomic Laboratory Hub, NHS Genomic Medicine Service
Classification: Uncertain significance for Intellectual disability. Last evaluated: 2019-04-17. Review status: criteria provided, single submitter. Criteria: ACGS Best Practice Guidelines for Variant Classification in Rare Disease 2020. Collection method: clinical testing. Allele origin: germline. Affected: yes. Observed: 1 variant allele.